The following is an entry in ClinVar:

NM_145064.3(STAC3):c.330_333del (p.Val111fs)

Gene: STAC3 (SH3 and cysteine rich domain 3; minus strand). Cytogenetic location: 12q13.3.
Variant type: Deletion.
Coding change: c.330_333del on transcript NM_145064.3 (MANE Select); coding-DNA positions 330 to 333, 4 bases deleted (TGTT; older notation c.330_333delTGTT).
Protein change: p.Val111fs; shifts the reading frame from valine 111.
Molecular consequence: frameshift variant. On other transcripts: intron variant (1).
Genome position (GRCh38, 1-based): chr12:57,249,042-57,249,045, AACA deleted on the plus strand (TGTT on the coding strand, the reverse complement: STAC3 is on the minus strand); deleting any 4 consecutive bases within chr12:57,249,042-57,249,046 gives the same sequence; the c. name uses the placement nearest the transcript's 3' end. VCF-style (leftmost placement, unchanged base first): chr12-57249041-GAACA-G. GRCh37 (hg19) VCF-style: chr12-57642824-GAACA-G.
Other names: c.213_216del, p.Val72fs (NM_001286256.2); c.-126-847_-126-844del (NM_001286257.2); c.330_333delTGTT (NM_145064.3); short protein forms V111fs, V72fs.
Identifiers: ClinVar variation 4850580 (VCV004850580.1).
Genomic context (GRCh38, chr12:57,249,041, plus strand): 5'-CCCTCTCCCCAAACCTCTGCCTTCAATATCATACTCTCTTCACTTCCCTTCATGACTCAC[GAACA>G]ATCATCCGGGCACAGACATCACAGAACTTTGGCTTCTTGAAGAAGTGATCTTTGAATTTG-3'

ClinVar aggregate classification (germline): Likely pathogenic (1 of 4 stars; one submission).

Conditions:
Bailey-Bloch congenital myopathy (CMYO13). Also called: Native American myopathy; STAC3 disorder; Congenital myopathy 13. Identifiers: Orphanet 168572, MedGen C1850625, MONDO:0009722, OMIM 255995.

Submission:

First Genomix Gene Laboratory, Genetic Diagnostics Department
Classification: Likely pathogenic for Bailey-Bloch congenital myopathy. Last evaluated: 2025-08-04. Review status: criteria provided, single submitter. Criteria: ACMG Guidelines, 2015. Collection method: clinical testing. Allele origin: germline. Inheritance: Autosomal recessive inheritance. Affected: no. Observed: 1 variant allele.